The following is an entry in ClinVar:

NM_024426.6(WT1):c.599T>G (p.Met200Arg)

Genes: WT1 (WT1 transcription factor; minus strand), LOC107982234 (WT1/WT1-AS bi-directional promoter region; plus strand). Cytogenetic location: 11p13.
Variant type: single nucleotide variant.
Coding change: c.599T>G on transcript NM_024426.6 (MANE Select); coding-DNA position 599, T replaced by G.
Protein change: p.Met200Arg; replaces methionine 200 with arginine.
Molecular consequence: missense variant. On other transcripts: non-coding transcript variant (1).
Genome position (GRCh38, 1-based): chr11:32,434,762, A>C on the plus strand (T>G on the coding strand, the complement: WT1 is on the minus strand). VCF-style: chr11-32434762-A-C. GRCh37 (hg19) VCF-style: chr11-32456308-A-C.
Other names: c.599T>G, p.Met200Arg (NM_000378.6, NM_024424.5); c.584T>G (NM_024426.4); short protein forms M200R.
Identifiers: ClinVar variation 1519832 (VCV001519832.7), dbSNP rs2133101589, ClinGen allele CA379964561.

ClinVar aggregate classification (germline): Uncertain significance. Review status: criteria provided, multiple submitters, no conflicts (2 of 4 stars). 2 submissions from 2 submitters: Uncertain significance (2). Last evaluated 2024-12-28.

Conditions:
Frasier syndrome. Identifiers: Orphanet 347, MedGen C0950122, MeSH D052159, MONDO:0007635, OMIM 136680.
Drash syndrome (DDS). Also called: NEPHROPATHY, WILMS TUMOR, AND GENITAL ANOMALIES; WILMS TUMOR AND PSEUDO- OR TRUE HERMAPHRODITISM. Identifiers: Orphanet 220, MedGen C0950121, MONDO:0008682, OMIM 194080.
Wilms tumor 1 (WT1). Also called: Wilms tumor, somatic. Identifiers: Orphanet 654, MedGen CN033288, MONDO:0008679, OMIM 194070.
11p partial monosomy syndrome (WAGR). Also called: WAGR Spectrum Disorder; WAGR syndrome; CHROMOSOME 11p13 DELETION SYNDROME; WAGR Complex. Identifiers: Orphanet 893, MedGen C0206115, MONDO:0008681, OMIM 194072.
Inborn genetic diseases. Identifiers: MedGen C0950123, MeSH D030342.

Allele frequency attached by ClinVar (database versions not stated): gnomAD exomes below 0.00001.
gnomAD v4.1: 3 of 1,612,900 alleles (0.00019%); highest among the groups gnomAD compares: Non-Finnish European, 0.00025%; no homozygotes.

Submissions (2):

Ambry Genetics
Classification: Uncertain significance for Inborn genetic diseases. Last evaluated: 2024-12-28. Review status: criteria provided, single submitter. Criteria: Ambry Variant Classification Scheme 2023. Collection method: clinical testing. Allele origin: germline.
Comment: The p.M195R variant (also known as c.584T>G), located in coding exon 1 of the WT1 gene, results from a T to G substitution at nucleotide position 584. The methionine at codon 195 is replaced by arginine, an amino acid with similar properties. This amino acid position is conserved. In addition, the in silico prediction for this alteration is inconclusive. Based on the available evidence, the clinical significance of this variant remains unclear.

Labcorp Genetics (formerly Invitae), Labcorp
Classification: Uncertain significance for Wilms tumor 1; Drash syndrome; 11p partial monosomy syndrome; Frasier syndrome. Last evaluated: 2021-10-24. Review status: criteria provided, single submitter. Criteria: Invitae Variant Classification Sherloc (09022015). Collection method: clinical testing. Allele origin: germline.
Comment: Algorithms developed to predict the effect of missense changes on protein structure and function (SIFT, PolyPhen-2, Align-GVGD) all suggest that this variant is likely to be disruptive. In summary, the available evidence is currently insufficient to determine the role of this variant in disease. Therefore, it has been classified as a Variant of Uncertain Significance. This variant has not been reported in the literature in individuals affected with WT1-related conditions. This variant is not present in population databases (ExAC no frequency). This sequence change replaces methionine with arginine at codon 195 of the WT1 protein (p.Met195Arg). The methionine residue is highly conserved and there is a moderate physicochemical difference between methionine and arginine.